The following is an entry in ClinVar:

NM_001164665.2(KIAA1549):c.2432C>T (p.Pro811Leu)

Gene: KIAA1549 (KIAA1549; minus strand). Cytogenetic location: 7q34.
Variant type: single nucleotide variant.
Coding change: c.2432C>T on transcript NM_001164665.2 (MANE Select); coding-DNA position 2432, C replaced by T.
Protein change: p.Pro811Leu; replaces proline 811 with leucine.
Molecular consequence: missense variant.
Genome position (GRCh38, 1-based): chr7:138,917,194, G>A on the plus strand (C>T on the coding strand, the complement: KIAA1549 is on the minus strand). VCF-style: chr7-138917194-G-A. GRCh37 (hg19) VCF-style: chr7-138601940-G-A.
Other names: c.2432C>T, p.Pro811Leu (NM_020910.3); c.2432C>T (NM_001164665.1); short protein forms P811L.
Identifiers: ClinVar variation 1394815 (VCV001394815.7), dbSNP rs769266453, ClinGen allele CA4506512.

ClinVar aggregate classification (germline): Uncertain significance. Review status: criteria provided, multiple submitters, no conflicts (2 of 4 stars). 3 submissions from 3 submitters: Uncertain significance (3). Last evaluated 2025-04-12.

Conditions:
Inborn genetic diseases. Identifiers: MedGen C0950123, MeSH D030342.

Allele frequency attached by ClinVar (database versions not stated): ExAC 0.00001; TOPMed 0.00002; gnomAD 0.00003 and 0.00004; gnomAD exomes 0.00003.
gnomAD v4.1: 25 of 1,613,990 alleles (0.0015%); highest among the groups gnomAD compares: Admixed American, 0.01%; no homozygotes.

Submissions (3):

Ambry Genetics
Classification: Uncertain significance for Inborn genetic diseases. Last evaluated: 2025-04-12. Review status: criteria provided, single submitter. Criteria: Ambry Variant Classification Scheme 2023. Collection method: clinical testing. Allele origin: germline.

Labcorp Genetics (formerly Invitae), Labcorp
Classification: Uncertain significance. Last evaluated: 2022-08-16. Review status: criteria provided, single submitter. Criteria: Invitae Variant Classification Sherloc (09022015). Collection method: clinical testing. Allele origin: germline.
Comment: In summary, the available evidence is currently insufficient to determine the role of this variant in disease. Therefore, it has been classified as a Variant of Uncertain Significance. Algorithms developed to predict the effect of missense changes on protein structure and function output the following: SIFT: "Tolerated"; PolyPhen-2: "Benign"; Align-GVGD: "Class C0". The leucine amino acid residue is found in multiple mammalian species, which suggests that this missense change does not adversely affect protein function. ClinVar contains an entry for this variant (Variation ID: 1394815). This variant has not been reported in the literature in individuals affected with KIAA1549-related conditions. This variant is present in population databases (rs769266453, gnomAD 0.02%). This sequence change replaces proline, which is neutral and non-polar, with leucine, which is neutral and non-polar, at codon 811 of the KIAA1549 protein (p.Pro811Leu).

Blueprint Genetics
Classification: Uncertain significance. Last evaluated: 2022-03-11. Review status: criteria provided, single submitter. Criteria: ACMG Guidelines, 2015. Collection method: clinical testing. Allele origin: germline.